The following is an entry in ClinVar:

ClinVar aggregate classification (germline): Likely benign (1 of 4 stars; one submission).

gnomAD v4.1: 5 of 152,354 alleles (0.0033%); highest among the groups gnomAD compares: South Asian, 0.021%; no homozygotes.

Submission:

CeGaT Center for Human Genetics Tuebingen
Classification: Likely benign. Last evaluated: 2026-05-01. Review status: criteria provided, single submitter. Criteria: CeGaT Center For Human Genetics Tuebingen Variant Classification Criteria Version 2. Collection method: clinical testing. Allele origin: germline. Affected: yes. Observed: 2 variant alleles.
Comment: PTPN11: BP4, BP7

NM_002834.5(PTPN11):c.1713-569T>C

Gene: PTPN11 (protein tyrosine phosphatase non-receptor type 11; plus strand). Cytogenetic location: 12q24.13.
Variant type: single nucleotide variant.
Coding change: c.1713-569T>C on transcript NM_002834.5 (MANE Select); 569 bases into the intron before coding-DNA position 1713, T replaced by C.
Molecular consequence: intron variant.
Genome position (GRCh38, 1-based): chr12:112,504,126, T>C. VCF-style: chr12-112504126-T-C. GRCh37 (hg19) VCF-style: chr12-112941930-T-C.
Other names: c.1725-569T>C (NM_001330437.2); c.1710-569T>C (NM_001374625.1).
Identifiers: ClinVar variation 4822494 (VCV004822494.4).